The following is an entry in ClinVar:

NM_020975.6(RET):c.405C>T (p.Gly135=)

Gene: RET (ret proto-oncogene; plus strand). Cytogenetic location: 10q11.21.
Variant type: single nucleotide variant.
Coding change: c.405C>T on transcript NM_020975.6 (MANE Select); coding-DNA position 405, C replaced by T.
Protein change: p.Gly135=; no amino-acid change (glycine 135 retained).
Molecular consequence: synonymous variant. On other transcripts: intron variant (22).
Genome position (GRCh38, 1-based): chr10:43,102,409, C>T. VCF-style: chr10-43102409-C-T. GRCh37 (hg19) VCF-style: chr10-43597857-C-T.
Other names: c.405C>T, p.Gly135= (NM_000323.2, NM_001406743.1, NM_001406744.1 and 16 more transcripts); c.338-62C>T (NM_001406764.1, NM_001406762.1, NM_001406761.1 and 4 more transcripts); c.337+1687C>T (NM_001406770.1, NM_001406766.1, NM_001406767.1 and 8 more transcripts); c.74-6622C>T (NM_001406784.1); c.74-9690C>T (NM_001406794.1, NM_001406792.1, NM_001406793.1).
Identifiers: ClinVar variation 141671 (VCV000141671.26), dbSNP rs142345108, ClinGen allele CA009250.

ClinVar aggregate classification (germline): Conflicting classifications of pathogenicity. Review status: criteria provided, conflicting classifications (1 of 4 stars). 8 submissions from 8 submitters: Uncertain significance (1); Benign (1); Likely benign (6). Last evaluated 2026-09-01.

Conditions:
RET-related disorder. Also called: RET-related condition; RET-related disease; RET-related disorders.
Hereditary cancer. Identifiers: MedGen C1333600.
Hereditary cancer-predisposing syndrome. Also called: Neoplastic Syndromes, Hereditary; Tumor predisposition; Hereditary neoplastic syndrome; Hereditary Cancer Syndrome. Identifiers: Orphanet 140162, MedGen C0027672, MeSH D009386, MONDO:0015356.
Multiple endocrine neoplasia, type 2 (MEN2). Identifiers: Orphanet 653, MedGen C4048306, MONDO:0019003. Disease mechanism: gain of function.

Allele frequency attached by ClinVar (database versions not stated): gnomAD exomes 0.00008 and 0.00016; ExAC 0.00021; gnomAD 0.00048 and 0.00051; TOPMed 0.00048; ESP Exome Variant Server 0.00054; 1000 Genomes Project 0.00100; 1000 Genomes Project 30x 0.00109.

Submissions (8):

CeGaT Center for Human Genetics Tuebingen
Classification: Likely benign. Last evaluated: 2026-09-01. Review status: criteria provided, single submitter. Criteria: CeGaT Center For Human Genetics Tuebingen Variant Classification Criteria Version 2. Collection method: clinical testing. Allele origin: germline. Affected: yes. Observed: 1 variant allele.
Comment: RET: PP3, BS1

Labcorp Genetics (formerly Invitae), Labcorp
Classification: Benign for Multiple endocrine neoplasia, type 2. Last evaluated: 2026-01-25. Review status: criteria provided, single submitter. Criteria: Invitae Variant Classification Sherloc (09022015). Collection method: clinical testing. Allele origin: germline.

PreventionGenetics, part of Exact Sciences
Classification: Likely benign for RET-related condition. Last evaluated: 2024-11-21. Review status: criteria provided, single submitter. Criteria: ACMG Guidelines, 2015. Collection method: clinical testing. Allele origin: germline.
Comment: This variant is classified as likely benign based on ACMG/AMP sequence variant interpretation guidelines (Richards et al. 2015 PMID: 25741868, with internal and published modifications).

Mendelics
Classification: Likely benign for Hereditary cancer. Last evaluated: 2024-01-23. Review status: criteria provided, single submitter. Criteria: ACMG Guidelines, 2015. Collection method: clinical testing. Allele origin: unknown.

Color Diagnostics, LLC DBA Color Health
Classification: Likely benign for Multiple endocrine neoplasia, type 2. Last evaluated: 2023-02-03. Review status: criteria provided, single submitter. Criteria: ACMG Guidelines, 2015. Collection method: clinical testing. Allele origin: germline.

Sema4
Classification: Uncertain significance for Hereditary cancer-predisposing syndrome. Last evaluated: 2022-02-14. Review status: criteria provided, single submitter. Criteria: Sema4 Curation Guidelines. Collection method: curation. Allele origin: germline.
Comment: The RET c.405C>T (p.G135=) variant has been reported in heterozygosity in at least one individual with advanced cancer (PMID: 28873162). It was observed in 36/24968 chromosomes of the African/African American subpopulation, with no homozygotes, in the large and broad cohorts of the Genome Aggregation Database (PMID: 32461654). The variant has been reported in ClinVar (Variation ID 141671). In silico tools suggest that the variant may create or strengthen a cryptic splice site, though these predictions have not been confirmed by functional studies. The evidence is insufficient to meet ACMG/AMP criteria for classifying the variant as benign or pathogenic. Thus, the clinical significance of this variant is currently uncertain.

Ambry Genetics
Classification: Likely benign for Hereditary cancer-predisposing syndrome. Last evaluated: 2021-02-05. Review status: criteria provided, single submitter. Criteria: Ambry Variant Classification Scheme 2023. Collection method: clinical testing. Allele origin: germline.

GeneDx
Classification: Likely benign. Last evaluated: 2019-09-06. Review status: criteria provided, single submitter. Criteria: GeneDx Variant Classification Process June 2021. Collection method: clinical testing. Allele origin: germline. Affected: yes.
Comment: In silico analysis, which includes splice predictors and evolutionary conservation, suggests this variant may impact gene splicing. In the absence of RNA/functional studies, the actual effect of this sequence change is unknown.; This variant is associated with the following publications: (PMID: 27149842)

Literature cited by the submitters: PubMed 28873162 (cited by Sema4).